The following is an entry in ClinVar:

ClinVar aggregate classification (germline): Uncertain significance (1 of 4 stars; one submission).

Submission:

GeneDx
Classification: Uncertain significance. Last evaluated: 2025-04-17. Review status: criteria provided, single submitter. Criteria: GeneDx Variant Classification Process June 2021. Collection method: clinical testing. Allele origin: germline. Affected: yes.
Comment: Not observed at significant frequency in large population cohorts (gnomAD); In silico analysis supports that this missense variant has a deleterious effect on protein structure/function; Has not been previously published as pathogenic or benign to our knowledge

NM_000548.5(TSC2):c.3629T>A (p.Met1210Lys)

Gene: TSC2 (TSC complex subunit 2; plus strand). Cytogenetic location: 16p13.3.
Variant type: single nucleotide variant.
Coding change: c.3629T>A on transcript NM_000548.5 (MANE Select); coding-DNA position 3629, T replaced by A.
Protein change: p.Met1210Lys; replaces methionine 1210 with lysine.
Molecular consequence: missense variant. On other transcripts: non-coding transcript variant (5).
Genome position (GRCh38, 1-based): chr16:2,081,613, T>A. VCF-style: chr16-2081613-T-A. GRCh37 (hg19) VCF-style: chr16-2131614-T-A.
Other names: c.3497T>A, p.Met1166Lys (NM_001077183.3, NM_001370404.1, NM_001406665.1); c.3629T>A, p.Met1210Lys (NM_001114382.3); c.3389T>A, p.Met1130Lys (NM_001318827.2); c.3353T>A, p.Met1118Lys (NM_001318829.2); c.2897T>A, p.Met966Lys (NM_001318831.2, NM_001406687.1, NM_001406688.1); c.3530T>A, p.Met1177Lys (NM_001318832.2); c.3500T>A, p.Met1167Lys (NM_001363528.2, NM_021055.3, NM_001370405.1); c.3482T>A, p.Met1161Lys (NM_001406675.1); and 18 more; short protein forms M1009K, M1010K, M1013K, M1117K, M1118K, M1129K, M1130K, M1147K.
Identifiers: ClinVar variation 4282312 (VCV004282312.1).